The following is an entry in ClinVar:

ClinVar aggregate classification (germline): Likely benign. Review status: reviewed by expert panel (3 of 4 stars). 4 submissions from 4 submitters: Likely benign (1). 3 of the submissions do not count toward it. Last evaluated 2017-06-29.

Conditions:
Hereditary breast ovarian cancer syndrome. Also called: Breast and ovarian cancer; Hereditary breast and ovarian cancer; Hereditary breast and ovarian cancer syndrome; Hereditary breast and/or ovarian cancer syndrome; BRCA1- and BRCA2-Associated Hereditary Breast and Ovarian Cancer; Hereditary breast and ovarian cancer syndrome (HBOC). Identifiers: Orphanet 145, MedGen C0677776, MeSH D061325, MONDO:0003582. Disease mechanism: loss of function.
Breast-ovarian cancer, familial, susceptibility to, 1 (BROVCA1). Also called: BRCA1 Hereditary Breast and Ovarian Cancer; OVARIAN CANCER, SUSCEPTIBILITY TO. Identifiers: Orphanet 145, MedGen C2676676, MONDO:0011450, OMIM 604370. Disease mechanism: loss of function.
Hereditary cancer-predisposing syndrome. Also called: Tumor predisposition; Hereditary Cancer Syndrome; Neoplastic Syndromes, Hereditary; Hereditary neoplastic syndrome. Identifiers: Orphanet 140162, MedGen C0027672, MeSH D009386, MONDO:0015356.

Allele frequency attached by ClinVar (database versions not stated): gnomAD exomes below 0.00001.
gnomAD v4.1: 1 of 1,613,562 alleles (0.000062%); highest among the groups gnomAD compares: Non-Finnish European, 0.000085%; no homozygotes.

Submissions (4):

Evidence-based Network for the Interpretation of Germline Mutant Alleles (ENIGMA)
Classification: Likely benign for Breast-ovarian cancer, familial, susceptibility to, 1. Last evaluated: 2017-06-29. Review status: reviewed by expert panel. Criteria: ENIGMA BRCA1/2 Classification Criteria (2017-06-29). Collection method: curation. Allele origin: germline.
Comment: Synonymous substitution variant, with low bioinformatic likelihood to result in a splicing aberration (Splicing prior probability 0.02).

Women's Health and Genetics/Laboratory Corporation of America, LabCorp
Classification: Likely benign. Last evaluated: 2025-01-09. Review status: criteria provided, single submitter. Criteria: LabCorp Variant Classification Summary - May 2015. Collection method: clinical testing. Allele origin: germline. Not counted in ClinVar's aggregate classification.

Labcorp Genetics (formerly Invitae), Labcorp
Classification: Likely benign for Hereditary breast ovarian cancer syndrome. Last evaluated: 2024-10-22. Review status: criteria provided, single submitter. Criteria: Invitae Variant Classification Sherloc (09022015). Collection method: clinical testing. Allele origin: germline. Not counted in ClinVar's aggregate classification.

Ambry Genetics
Classification: Likely benign for Hereditary cancer-predisposing syndrome. Last evaluated: 2015-05-01. Review status: criteria provided, single submitter. Criteria: Ambry Variant Classification Scheme 2023. Collection method: clinical testing. Allele origin: germline. Not counted in ClinVar's aggregate classification.

NM_007294.4(BRCA1):c.222A>G (p.Gln74=)

Gene: BRCA1 (BRCA1 DNA repair associated; minus strand). Cytogenetic location: 17q21.31.
Variant type: single nucleotide variant.
Coding change: c.222A>G on transcript NM_007294.4 (MANE Select); coding-DNA position 222, A replaced by G.
Protein change: p.Gln74=; no amino-acid change (glutamine 74 retained).
Molecular consequence: synonymous variant. On other transcripts: 5 prime UTR variant (7), intron variant (2).
Genome position (GRCh38, 1-based): chr17:43,104,947, T>C on the plus strand (A>G on the coding strand, the complement: BRCA1 is on the minus strand). VCF-style: chr17-43104947-T-C. GRCh37 (hg19) VCF-style: chr17-41256964-T-C.
Other names: c.12A>G, p.Gln4= (NM_001407571.1, NM_001407853.1, NM_001407879.1 and 58 more transcripts); c.222A>G, p.Gln74= (NM_001407581.1, NM_001407582.1, NM_001407583.1 and 168 more transcripts); c.144A>G, p.Gln48= (NM_001407653.1, NM_001407654.1, NM_001407655.1 and 21 more transcripts); c.81A>G, p.Gln27= (NM_001407692.1, NM_001407694.1, NM_001407695.1 and 99 more transcripts); c.-160A>G (NM_001407959.1, NM_001407960.1, NM_001407962.1 and 4 more transcripts); c.90A>G, p.Gln30= (NM_001408451.1); c.-218-10087A>G (NM_001407967.1, NM_001407966.1).
Identifiers: ClinVar variation 231529 (VCV000231529.18), dbSNP rs730881465, ClinGen allele CA10580708.